The following is an entry in ClinVar:

NM_015506.3(MMACHC):c.617G>C (p.Arg206Pro)

Genes: MMACHC (metabolism of cobalamin associated C; plus strand), LOC129930446 (ATAC-STARR-seq lymphoblastoid active region 972; plus strand). Cytogenetic location: 1p34.1.
Variant type: single nucleotide variant.
Coding change: c.617G>C on transcript NM_015506.3 (MANE Select); coding-DNA position 617, G replaced by C.
Protein change: p.Arg206Pro; replaces arginine 206 with proline.
Molecular consequence: missense variant.
Genome position (GRCh38, 1-based): chr1:45,508,983, G>C. VCF-style: chr1-45508983-G-C. GRCh37 (hg19) VCF-style: chr1-45974655-G-C.
Other names: c.446G>C, p.Arg149Pro (NM_001330540.2); short protein forms R206P, R149P.
Identifiers: ClinVar variation 558321 (VCV000558321.8), dbSNP rs371753672, ClinGen allele CA340133696.

ClinVar aggregate classification (germline): Conflicting classifications of pathogenicity. Review status: criteria provided, conflicting classifications (1 of 4 stars). 4 submissions from 4 submitters: Likely pathogenic (2); Uncertain significance (1). 1 of the submissions does not count toward it. Last evaluated 2024-10-29.

Conditions:
Cobalamin C disease. Also called: Methylmalonic aciduria and homocystinuria, Vitamin B12-responsive; Vitamin B12 metabolic defect with combined deficiency of methylmalonyl-CoA mutase and homocysteine:methyltetrahydrofolate methyltransferase; methylmalonic aciduria and homocystinuria type cblC; Cobalamin-C methylmalonic acidemia and homocystinuria; Methylmalonic acidemia and homocystinuria cblC type; Methylmalonic aciduria with homocystinuria cblC type. Identifiers: Orphanet 26, Orphanet 79282, MedGen C1848561, MONDO:0010184, OMIM 277400.

gnomAD v4.1: 9 of 1,614,012 alleles (0.00056%); highest among the groups gnomAD compares: African/African-American, 0.0013%; no homozygotes.

Submissions (4):

Natera, Inc.
Classification: Likely pathogenic for Methylmalonic aciduria and homocystinuria cblC type. Last evaluated: 2024-10-29. Review status: criteria provided, single submitter. Criteria: Natera Variant Classification Schema (03/2026). Collection method: clinical testing. Allele origin: germline.
Comment: The c.617G>C variant in MMACHC is a missense variant predicted to cause substitution of arginine to proline at amino acid 206. This variant is rare in the general population with a frequency below the threshold expected for the associated phenotype(s). This variant has been observed in one or more individuals affected with the associated recessive disease, as either homozygous or compound heterozygous with a second variant (PMID: 16311595). A different variant at the same position has been determined to be Pathogenic or Likely Pathogenic. Computational prediction algorithms indicate this variant is likely to affect gene or protein function. Given the available evidence, this variant is classified as Likely Pathogenic.

Revvity Omics, Revvity
Classification: Uncertain significance for Cobalamin C disease. Last evaluated: 2019-12-13. Review status: criteria provided, single submitter. Criteria: ACMG Guidelines, 2015. Collection method: clinical testing. Allele origin: germline.

Baylor Genetics
Classification: Likely pathogenic for Cobalamin C disease. Review status: criteria provided, single submitter. Criteria: ACMG Guidelines, 2015. Collection method: clinical testing. Allele origin: germline.

Counsyl
Classification: Uncertain significance for Cobalamin C disease. Last evaluated: 2018-05-15. Review status: no assertion criteria provided. Collection method: clinical testing. Allele origin: unknown. Not counted in ClinVar's aggregate classification.

Literature cited by the submitters: PubMed 16311595 (cited by Natera, Inc.); PubMed 19370762 (cited by Counsyl).